The following is an entry in ClinVar:

NM_000051.4(ATM):c.6327G>T (p.Trp2109Cys)

Genes: ATM (ATM serine/threonine kinase; plus strand), C11orf65 (chromosome 11 open reading frame 65; minus strand). Cytogenetic location: 11q22.3.
Variant type: single nucleotide variant.
Coding change: c.6327G>T on transcript NM_000051.4 (MANE Select); coding-DNA position 6327, G replaced by T.
Protein change: p.Trp2109Cys; replaces tryptophan 2109 with cysteine.
Molecular consequence: missense variant. On other transcripts: intron variant (2).
Genome position (GRCh38, 1-based): chr11:108,317,501, G>T. VCF-style: chr11-108317501-G-T. GRCh37 (hg19) VCF-style: chr11-108188228-G-T.
Other names: c.6327G>T, p.Trp2109Cys (NM_001351834.2); c.641-8430C>A (NM_001330368.2); c.*39-8430C>A (NM_001351110.2); short protein forms W2109C.
Identifiers: ClinVar variation 1752874 (VCV001752874.2), dbSNP rs867760244, ClinGen allele CA228403342.

ClinVar aggregate classification (germline): Uncertain significance (1 of 4 stars; one submission).

Conditions:
Hereditary cancer-predisposing syndrome. Also called: Hereditary neoplastic syndrome; Neoplastic Syndromes, Hereditary; Tumor predisposition; Hereditary Cancer Syndrome. Identifiers: Orphanet 140162, MedGen C0027672, MeSH D009386, MONDO:0015356.

Submission:

Ambry Genetics
Classification: Uncertain significance for Hereditary cancer-predisposing syndrome. Last evaluated: 2021-11-30. Review status: criteria provided, single submitter. Criteria: Ambry Variant Classification Scheme 2023. Collection method: clinical testing. Allele origin: germline.
Comment: The p.W2109C variant (also known as c.6327G>T), located in coding exon 42 of the ATM gene, results from a G to T substitution at nucleotide position 6327. The tryptophan at codon 2109 is replaced by cysteine, an amino acid with highly dissimilar properties. This variant was observed in 1/287 patients with hereditary breast and/or ovarian cancer; In addition, this alteration is predicted to be deleterious by in silico analysis. Since supporting evidence is limited at this time, the clinical significance of this alteration remains unclear.

Literature cited by the submitters: PubMed 26898890.